The following is an entry in ClinVar:

NM_003738.5(PTCH2):c.2488G>A (p.Ala830Thr)

Gene: PTCH2 (patched 2; minus strand). Cytogenetic location: 1p34.1.
Variant type: single nucleotide variant.
Coding change: c.2488G>A on transcript NM_003738.5 (MANE Select); coding-DNA position 2488, G replaced by A.
Protein change: p.Ala830Thr; replaces alanine 830 with threonine.
Molecular consequence: missense variant.
Genome position (GRCh38, 1-based): chr1:44,827,193, C>T on the plus strand (G>A on the coding strand, the complement: PTCH2 is on the minus strand). VCF-style: chr1-44827193-C-T. GRCh37 (hg19) VCF-style: chr1-45292865-C-T.
Other names: c.2488G>A (NM_003738.4); c.2488G>A, p.Ala830Thr (NM_001166292.2); short protein forms A830T.
Identifiers: ClinVar variation 1937561 (VCV001937561.6), dbSNP rs780428555, ClinGen allele CA822989.

ClinVar aggregate classification (germline): Uncertain significance. Review status: criteria provided, multiple submitters, no conflicts (2 of 4 stars). 2 submissions from 2 submitters: Uncertain significance (2). Last evaluated 2025-11-24.

Conditions:
Gorlin syndrome. Also called: Nevoid Basal Cell Carcinoma Syndrome; Basal cell nevus syndrome. Identifiers: Orphanet 377, MedGen C0004779, MONDO:0007187.

Allele frequency attached by ClinVar (database versions not stated): gnomAD 0.00001; ExAC 0.00003.

Submissions (2):

Ambry Genetics
Classification: Uncertain significance. Last evaluated: 2025-11-24. Review status: criteria provided, single submitter. Criteria: Ambry Variant Classification Scheme 2023. Collection method: clinical testing. Allele origin: germline.

Labcorp Genetics (formerly Invitae), Labcorp
Classification: Uncertain significance for Gorlin syndrome. Last evaluated: 2024-04-08. Review status: criteria provided, single submitter. Criteria: Invitae Variant Classification Sherloc (09022015). Collection method: clinical testing. Allele origin: germline.
Comment: This sequence change replaces alanine, which is neutral and non-polar, with threonine, which is neutral and polar, at codon 830 of the PTCH2 protein (p.Ala830Thr). This variant is present in population databases (rs780428555, gnomAD 0.009%). This variant has not been reported in the literature in individuals affected with PTCH2-related conditions. ClinVar contains an entry for this variant (Variation ID: 1937561). Advanced modeling of protein sequence and biophysical properties (such as structural, functional, and spatial information, amino acid conservation, physicochemical variation, residue mobility, and thermodynamic stability) performed at Invitae indicates that this missense variant is not expected to disrupt PTCH2 protein function with a negative predictive value of 80%. In summary, the available evidence is currently insufficient to determine the role of this variant in disease. Therefore, it has been classified as a Variant of Uncertain Significance.